The following is an entry in ClinVar:

ClinVar aggregate classification (germline): Uncertain significance. Review status: criteria provided, multiple submitters, no conflicts (2 of 4 stars). 2 submissions from 2 submitters: Uncertain significance (2). Last evaluated 2022-08-09.

Conditions:
Hyperphosphatasia with impaired intellectual development syndrome 2. Also called: Hyperphosphatasia with intellectual disability syndrome 2; GLYCOSYLPHOSPHATIDYLINOSITOL BIOSYNTHESIS DEFECT 6. Identifiers: Orphanet 247262, MedGen C3553637, MONDO:0013882, OMIM 614749.

Allele frequency attached by ClinVar (database versions not stated): gnomAD exomes 0.00003 and 0.00002; ExAC 0.00003; TOPMed 0.00001.

Submissions (2):

Labcorp Genetics (formerly Invitae), Labcorp
Classification: Uncertain significance for Hyperphosphatasia with impaired intellectual development syndrome 2. Last evaluated: 2022-08-09. Review status: criteria provided, single submitter. Criteria: Invitae Variant Classification Sherloc (09022015). Collection method: clinical testing. Allele origin: germline.
Comment: In summary, the available evidence is currently insufficient to determine the role of this variant in disease. Therefore, it has been classified as a Variant of Uncertain Significance. Algorithms developed to predict the effect of sequence changes on RNA splicing suggest that this variant may create or strengthen a splice site. This sequence change replaces arginine, which is basic and polar, with glutamine, which is neutral and polar, at codon 119 of the PIGO protein (p.Arg119Gln). This variant is present in population databases (rs753918558, gnomAD 0.04%). This variant has not been reported in the literature in individuals affected with PIGO-related conditions. ClinVar contains an entry for this variant (Variation ID: 961984). Algorithms developed to predict the effect of missense changes on protein structure and function (SIFT, PolyPhen-2, Align-GVGD) all suggest that this variant is likely to be tolerated.

GeneDx
Classification: Uncertain significance. Last evaluated: 2020-08-18. Review status: criteria provided, single submitter. Criteria: GeneDx Variant Classification Process June 2021. Collection method: clinical testing. Allele origin: germline. Affected: yes.
Comment: In silico analysis, which includes protein predictors and evolutionary conservation, supports a deleterious effect; Has not been previously published as pathogenic or benign to our knowledge; A different missense change at this residue (R119W) has been reported in the Human Gene Mutation Database (Stenson et al., 2014)

NM_032634.4(PIGO):c.356G>A (p.Arg119Gln)

Gene: PIGO (phosphatidylinositol glycan anchor biosynthesis class O; minus strand). Cytogenetic location: 9p13.3.
Variant type: single nucleotide variant.
Coding change: c.356G>A on transcript NM_032634.4 (MANE Select); coding-DNA position 356, G replaced by A.
Protein change: p.Arg119Gln; replaces arginine 119 with glutamine.
Molecular consequence: missense variant.
Genome position (GRCh38, 1-based): chr9:35,095,210, C>T on the plus strand (G>A on the coding strand, the complement: PIGO is on the minus strand). VCF-style: chr9-35095210-C-T. GRCh37 (hg19) VCF-style: chr9-35095207-C-T.
Other names: c.356G>A, p.Arg119Gln (NM_001201484.2, NM_152850.4); short protein forms R119Q.
Identifiers: ClinVar variation 961984 (VCV000961984.11), dbSNP rs753918558, ClinGen allele CA5040961.